The following is an entry in ClinVar:

ClinVar aggregate classification (germline): Uncertain significance. Review status: criteria provided, multiple submitters, no conflicts (2 of 4 stars). 2 submissions from 2 submitters: Uncertain significance (2). Last evaluated 2024-05-07.

Conditions:
Gorlin syndrome. Also called: Nevoid Basal Cell Carcinoma Syndrome; Basal cell nevus syndrome. Identifiers: Orphanet 377, MedGen C0004779, MONDO:0007187.
Basal cell carcinoma, susceptibility to, 1. Also called: BCC1. Identifiers: MedGen C2751544, MONDO:0011556, OMIM 605462.
Medulloblastoma (MDB). Also called: MEDULLOBLASTOMA PREDISPOSITION SYNDROME; Medulloblastoma, somatic. Identifiers: Orphanet 616, MedGen C0025149, MeSH D008527, MONDO:0007959, OMIM 155255, HP:0002885.

Allele frequency attached by ClinVar (database versions not stated): gnomAD 0.00001; gnomAD exomes 0.00001; ExAC 0.00002.
gnomAD v4.1: 20 of 1,614,048 alleles (0.0012%); highest among the groups gnomAD compares: South Asian, 0.02%; no homozygotes.

Submissions (2):

Fulgent Genetics
Classification: Uncertain significance for Medulloblastoma; Basal cell carcinoma, susceptibility to, 1. Last evaluated: 2024-05-07. Review status: criteria provided, single submitter. Criteria: ACMG Guidelines, 2015. Collection method: clinical testing. Allele origin: germline.

Labcorp Genetics (formerly Invitae), Labcorp
Classification: Uncertain significance for Gorlin syndrome. Last evaluated: 2021-04-20. Review status: criteria provided, single submitter. Criteria: Invitae Variant Classification Sherloc (09022015). Collection method: clinical testing. Allele origin: germline.
Comment: Algorithms developed to predict the effect of missense changes on protein structure and function are either unavailable or do not agree on the potential impact of this missense change (SIFT: "Deleterious"; PolyPhen-2: "Possibly Damaging"; Align-GVGD: "Class C0"). This variant has not been reported in the literature in individuals with PTCH2-related conditions. This variant is present in population databases (rs779024571, ExAC 0.006%). This sequence change replaces arginine with cysteine at codon 754 of the PTCH2 protein (p.Arg754Cys). The arginine residue is moderately conserved and there is a large physicochemical difference between arginine and cysteine. In summary, the available evidence is currently insufficient to determine the role of this variant in disease. Therefore, it has been classified as a Variant of Uncertain Significance.

NM_003738.5(PTCH2):c.2260C>T (p.Arg754Cys)

Gene: PTCH2 (patched 2; minus strand). Cytogenetic location: 1p34.1.
Variant type: single nucleotide variant.
Coding change: c.2260C>T on transcript NM_003738.5 (MANE Select); coding-DNA position 2260, C replaced by T.
Protein change: p.Arg754Cys; replaces arginine 754 with cysteine.
Molecular consequence: missense variant.
Genome position (GRCh38, 1-based): chr1:44,827,513, G>A on the plus strand (C>T on the coding strand, the complement: PTCH2 is on the minus strand). VCF-style: chr1-44827513-G-A. GRCh37 (hg19) VCF-style: chr1-45293185-G-A.
Other names: c.2260C>T, p.Arg754Cys (NM_001166292.2); short protein forms R754C.
Identifiers: ClinVar variation 1473478 (VCV001473478.9), dbSNP rs779024571, ClinGen allele CA823069.